The following is an entry in ClinVar:

ClinVar aggregate classification (germline): Likely pathogenic (1 of 4 stars; one submission).

Conditions:
Autosomal recessive limb-girdle muscular dystrophy type 2J (LGMDR10). Also called: Limb-girdle muscular dystrophy, type 2J; MUSCULAR DYSTROPHY, LIMB-GIRDLE, AUTOSOMAL RECESSIVE 10. Identifiers: Orphanet 140922, MedGen C1837342, MONDO:0012127, OMIM 608807.
Dilated cardiomyopathy 1G (CMD1G). Identifiers: Orphanet 154, MedGen C1858763, MONDO:0011400, OMIM 604145.

Submission:

Labcorp Genetics (formerly Invitae), Labcorp
Classification: Likely pathogenic for Dilated cardiomyopathy 1G; Autosomal recessive limb-girdle muscular dystrophy type 2J. Last evaluated: 2025-10-26. Review status: criteria provided, single submitter. Criteria: Invitae Variant Classification Sherloc (09022015). Collection method: clinical testing. Allele origin: germline.
Comment: This sequence change affects a donor splice site in intron 2 of the TTN gene. It is expected to disrupt RNA splicing and likely results in a truncated or disrupted TTN protein. This variant is not present in population databases (gnomAD no frequency). This variant has not been reported in the literature in individuals affected with TTN-related conditions. Algorithms developed to predict the effect of sequence changes on RNA splicing suggest that this variant may disrupt the consensus splice site. This variant is located in the Z band of TTN (PMID: 25589632). Truncating variants in this region have been reported in individuals affected with autosomal recessive centronuclear myopathy (PMID: 33449170, internal data). Truncating variants in this region have also been identified in individuals affected with autosomal dominant dilated cardiomyopathy and/or cardio-related conditions (PMID: 27869827, 32964742, internal data). In summary, the currently available evidence indicates that the variant is pathogenic, but additional data are needed to prove that conclusively. Therefore, this variant has been classified as Likely Pathogenic.

Literature cited by the submitters: PubMed 25589632; PubMed 33449170; PubMed 27869827; PubMed 32964742.

NM_001267550.2(TTN):c.91+1G>C

Gene: TTN (titin; minus strand). Cytogenetic location: 2q31.2.
Variant type: single nucleotide variant.
Coding change: c.91+1G>C on transcript NM_001267550.2 (MANE Select); the canonical splice donor site of the intron after coding-DNA position 91, G replaced by C.
Molecular consequence: splice donor variant.
Genome position (GRCh38, 1-based): chr2:178,804,551, C>G on the plus strand (G>C on the coding strand, the complement: TTN is on the minus strand). VCF-style: chr2-178804551-C-G. GRCh37 (hg19) VCF-style: chr2-179669278-C-G.
Other names: c.91+1G>C (NM_003319.4, NM_133437.4, NM_133432.3 and 3 more transcripts).
Identifiers: ClinVar variation 4785860 (VCV004785860.1).